The following is an entry in ClinVar:

ClinVar aggregate classification (germline): Uncertain significance (1 of 4 stars; one submission).

Submission:

GeneDx
Classification: Uncertain significance. Last evaluated: 2025-01-02. Review status: criteria provided, single submitter. Criteria: GeneDx Variant Classification Process June 2021. Collection method: clinical testing. Allele origin: germline. Affected: yes.
Comment: Not observed at significant frequency in large population cohorts (gnomAD); In silico analysis supports that this missense variant has a deleterious effect on protein structure/function; Has not been previously published as pathogenic or benign to our knowledge

NM_001190737.2(NFIB):c.497C>G (p.Pro166Arg)

Gene: NFIB (nuclear factor I B; minus strand). Cytogenetic location: 9p22.3.
Variant type: single nucleotide variant.
Coding change: c.497C>G on transcript NM_001190737.2 (MANE Select); coding-DNA position 497, C replaced by G.
Protein change: p.Pro166Arg; replaces proline 166 with arginine.
Molecular consequence: missense variant. On other transcripts: intron variant (3).
Genome position (GRCh38, 1-based): chr9:14,307,054, G>C on the plus strand (C>G on the coding strand, the complement: NFIB is on the minus strand). VCF-style: chr9-14307054-G-C. GRCh37 (hg19) VCF-style: chr9-14307053-G-C.
Other names: c.575C>G, p.Pro192Arg (NM_001190738.2); c.563C>G, p.Pro188Arg (NM_001369458.1, NM_001369459.1, NM_001369462.1 and 1 more transcripts); c.485C>G, p.Pro162Arg (NM_001369460.1, NM_001369463.1, NM_001369466.1 and 2 more transcripts); c.497C>G, p.Pro166Arg (NM_001369461.1, NM_001369464.1, NM_001369471.1 and 4 more transcripts); c.470C>G, p.Pro157Arg (NM_001369465.1, NM_001369467.1, NM_001369476.1); c.353C>G, p.Pro118Arg (NM_001369469.1); c.482C>G, p.Pro161Arg (NM_001369474.1); c.325+160C>G (NM_001369478.1, NM_001369470.1); and 1 more; short protein forms P166R, P188R, P161R, P162R, P192R, P118R, P157R.
Identifiers: ClinVar variation 4055925 (VCV004055925.1).